The following is an entry in ClinVar:

ClinVar aggregate classification (germline): Uncertain significance. Review status: criteria provided, multiple submitters, no conflicts (2 of 4 stars). 2 submissions from 2 submitters: Uncertain significance (2). Last evaluated 2025-04-08.

Conditions:
Inborn genetic diseases. Identifiers: MedGen C0950123, MeSH D030342.

Allele frequency attached by ClinVar (database versions not stated): ExAC 0.00001; TOPMed 0.00002; gnomAD exomes 0.00007.
gnomAD v4.1: 95 of 1,611,614 alleles (0.0059%); highest among the groups gnomAD compares: Non-Finnish European, 0.0077%; no homozygotes.

Submissions (2):

Ambry Genetics
Classification: Uncertain significance for Inborn genetic diseases. Last evaluated: 2025-04-08. Review status: criteria provided, single submitter. Criteria: Ambry Variant Classification Scheme 2023. Collection method: clinical testing. Allele origin: germline.

Labcorp Genetics (formerly Invitae), Labcorp
Classification: Uncertain significance. Last evaluated: 2024-11-26. Review status: criteria provided, single submitter. Criteria: Invitae Variant Classification Sherloc (09022015). Collection method: clinical testing. Allele origin: germline.
Comment: This sequence change replaces glutamic acid, which is acidic and polar, with lysine, which is basic and polar, at codon 583 of the MCM3AP protein (p.Glu583Lys). This variant is present in population databases (rs776926615, gnomAD 0.003%). This variant has not been reported in the literature in individuals affected with MCM3AP-related conditions. ClinVar contains an entry for this variant (Variation ID: 2193114). An algorithm developed to predict the effect of missense changes on protein structure and function (PolyPhen-2) suggests that this variant is likely to be disruptive. In summary, the available evidence is currently insufficient to determine the role of this variant in disease. Therefore, it has been classified as a Variant of Uncertain Significance.

NM_003906.5(MCM3AP):c.1747G>A (p.Glu583Lys)

Gene: MCM3AP (minichromosome maintenance complex component 3 associated protein; minus strand). Cytogenetic location: 21q22.3.
Variant type: single nucleotide variant.
Coding change: c.1747G>A on transcript NM_003906.5 (MANE Select); coding-DNA position 1747, G replaced by A.
Protein change: p.Glu583Lys; replaces glutamic acid 583 with lysine.
Molecular consequence: missense variant.
Genome position (GRCh38, 1-based): chr21:46,277,638, C>T on the plus strand (G>A on the coding strand, the complement: MCM3AP is on the minus strand). VCF-style: chr21-46277638-C-T. GRCh37 (hg19) VCF-style: chr21-47697552-C-T.
Other names: c.1747G>A (NM_003906.3); short protein forms E583K.
Identifiers: ClinVar variation 2193114 (VCV002193114.4), dbSNP rs776926615, ClinGen allele CA10076989.